The following is an entry in ClinVar:

ClinVar aggregate classification (germline): Uncertain significance. Review status: criteria provided, multiple submitters, no conflicts (2 of 4 stars). 2 submissions from 2 submitters: Uncertain significance (2). Last evaluated 2025-01-15.

Conditions:
Inborn genetic diseases. Identifiers: MedGen C0950123, MeSH D030342.

Submissions (2):

GeneDx
Classification: Uncertain significance. Last evaluated: 2025-01-15. Review status: criteria provided, single submitter. Criteria: GeneDx Variant Classification Process June 2021. Collection method: clinical testing. Allele origin: germline. Affected: yes.
Comment: In silico analysis indicates that this missense variant does not alter protein structure/function; Has not been previously published as pathogenic or benign to our knowledge

Ambry Genetics
Classification: Uncertain significance for Inborn genetic diseases. Last evaluated: 2024-03-16. Review status: criteria provided, single submitter. Criteria: Ambry Variant Classification Scheme 2023. Collection method: clinical testing. Allele origin: germline.

NM_001371623.1(TCOF1):c.1534A>G (p.Met512Val)

Gene: TCOF1 (treacle ribosome biogenesis factor 1; plus strand). Cytogenetic location: 5q32.
Variant type: single nucleotide variant.
Coding change: c.1534A>G on transcript NM_001371623.1 (MANE Select); coding-DNA position 1534, A replaced by G.
Protein change: p.Met512Val; replaces methionine 512 with valine.
Molecular consequence: missense variant.
Genome position (GRCh38, 1-based): chr5:150,375,384, A>G. VCF-style: chr5-150375384-A-G. GRCh37 (hg19) VCF-style: chr5-149754947-A-G.
Other names: c.1303A>G, p.Met435Val (NM_000356.4, NM_001135245.2); c.1534A>G, p.Met512Val (NM_001008657.3, NM_001135243.2, NM_001135244.2 and 1 more transcripts); short protein forms M435V, M512V.
Identifiers: ClinVar variation 3325031 (VCV003325031.2).